The following is an entry in ClinVar:

NM_033305.3(VPS13A):c.49del (p.Asp17fs)

Genes: VPS13A (vacuolar protein sorting 13 homolog A; plus strand), VPS13A-AS1 (VPS13A antisense RNA 1; minus strand). Cytogenetic location: 9q21.2.
Variant type: Deletion.
Coding change: c.49del on transcript NM_033305.3 (MANE Select); coding-DNA position 49, one base deleted (G; older notation c.49delG).
Protein change: p.Asp17fs; shifts the reading frame from aspartic acid 17.
Molecular consequence: frameshift variant. On other transcripts: non-coding transcript variant (1).
Genome position (GRCh38, 1-based): chr9:77,177,753, G deleted; the last of 5 consecutive G bases (chr9:77,177,749-77,177,753); deleting any one gives the same sequence. VCF-style (leftmost placement, unchanged base first): chr9-77177748-TG-T. GRCh37 (hg19) VCF-style: chr9-79792664-TG-T.
Other names: c.49del, p.Asp17fs (NM_001018037.2, NM_001018038.3, NM_015186.4); short protein forms D17fs.
Identifiers: ClinVar variation 5014519 (VCV005014519.1).

ClinVar aggregate classification (germline): Pathogenic (1 of 4 stars; one submission).

Conditions:
VPS13A-related neurodegenerative disease. Also called: ACANTHOCYTOSIS WITH NEUROLOGIC DISORDER; LEVINE-CRITCHLEY SYNDROME; Choreoacanthocytosis; Chorea-acanthocytosis; Choreaacanthocytosis; VPS13A Disease. Identifiers: Orphanet 2388, MedGen C0393576, MONDO:0008695, OMIM 200150.

Submission:

Myriad Genetics, Inc.
Classification: Pathogenic for VPS13A-related neurodegenerative disease. Last evaluated: 2024-05-14. Review status: criteria provided, single submitter. Criteria: Myriad Autosomal Dominant, Autosomal Recessive and X-Linked Classification Criteria (2023). Collection method: clinical testing. Allele origin: unknown.
Comment: NM_033305.2(VPS13A):c.49delG(D17Tfs*32) is expected to be pathogenic in the context of VPS13A disease. This variant is predicted to lead to an abnormal or absent protein product due to the creation of a premature termination codon in VPS13A, a gene where loss-of-function variants are known to be pathogenic. Please note: this variant was assessed in the context of healthy population screening.